The following is an entry in ClinVar:

ClinVar aggregate classification (germline): Pathogenic. Review status: criteria provided, multiple submitters, no conflicts (2 of 4 stars). 2 submissions from 2 submitters: Pathogenic (2). Last evaluated 2022-10-11.

Conditions:
Mucopolysaccharidosis type 1. Also called: IDUA deficiency; MPS I; Mucopolysaccharidosis Type I. Identifiers: Orphanet 579, MedGen C0023786, MONDO:0001586.
Hurler syndrome. Also called: Gargoylism, Hurler Syndrome; MUCOPOLYSACCHARIDOSIS TYPE IH; Severe MPS I (Hurler Syndrome). Identifiers: Orphanet 93473, MedGen C0086795, MONDO:0011758, OMIM 607014.

Submissions (2):

Labcorp Genetics (formerly Invitae), Labcorp
Classification: Pathogenic for Mucopolysaccharidosis type 1. Last evaluated: 2022-10-11. Review status: criteria provided, single submitter. Criteria: Invitae Variant Classification Sherloc (09022015). Collection method: clinical testing. Allele origin: germline.
Comment: This variant has not been reported in the literature in individuals affected with IDUA-related conditions. This variant is not present in population databases (gnomAD no frequency). This sequence change creates a premature translational stop signal (p.Glu499Alafs*9) in the IDUA gene. It is expected to result in an absent or disrupted protein product. Loss-of-function variants in IDUA are known to be pathogenic (PMID: 11735025, 21480867). For these reasons, this variant has been classified as Pathogenic.

Pathology and Clinical Laboratory Medicine, King Fahad Medical City
Classification: Pathogenic for Hurler syndrome. Review status: criteria provided, single submitter. Criteria: ACMG Guidelines, 2015. Collection method: clinical testing. Allele origin: germline. Affected: yes. Observed: 1 variant allele.
Comment: Viewed in a compound heterozygote state with NM_000203.3:c.1868T>C

Literature cited by the submitters: PubMed 11735025 (cited by Labcorp Genetics (formerly Invitae), Labcorp); PubMed 21480867 (cited by Labcorp Genetics (formerly Invitae), Labcorp).

NM_000203.5(IDUA):c.1496_1497del (p.Glu499fs)

Gene: IDUA (alpha-L-iduronidase; plus strand). Cytogenetic location: 4p16.3.
Variant type: Microsatellite.
Coding change: c.1496_1497del on transcript NM_000203.5 (MANE Select); coding-DNA positions 1496 to 1497, 2 bases deleted (AG; older notation c.1496_1497delAG).
Protein change: p.Glu499fs; shifts the reading frame from glutamic acid 499.
Molecular consequence: frameshift variant. On other transcripts: non-coding transcript variant (1).
Genome position (GRCh38, 1-based): chr4:1,003,129-1,003,130, AG deleted; deleting any 2 consecutive bases within chr4:1,003,127-1,003,130 gives the same sequence; the c. name uses the placement nearest the transcript's 3' end. VCF-style (leftmost placement, unchanged base first): chr4-1003126-CAG-C. GRCh37 (hg19) VCF-style: chr4-996914-CAG-C.
Other names: c.1100_1101del, p.Glu367fs (NM_001363576.1); short protein forms E367fs, E499fs.
Identifiers: ClinVar variation 1339515 (VCV001339515.6), dbSNP rs2153022799, ClinGen allele CA2580616048.